The following is an entry in ClinVar:

ClinVar aggregate classification (germline): Conflicting classifications of pathogenicity. Review status: criteria provided, conflicting classifications (1 of 4 stars). 2 submissions from 2 submitters: Likely pathogenic (1); Uncertain significance (1). Last evaluated 2025-10-21.

Conditions:
Congenital myotonia, autosomal dominant form (THD). Also called: THOMSEN DISEASE; Myotonia congenita autosomal dominant. Identifiers: Orphanet 614, MedGen C2936781, MONDO:0008055, OMIM 160800.
Congenital myotonia, autosomal recessive form. Also called: BECKER DISEASE; Becker Generalized Myotonia; myotonia congenita, autosomal recessive. Identifiers: Orphanet 614, MedGen C0751360, MONDO:0009715, OMIM 255700.

Allele frequency attached by ClinVar (database versions not stated): gnomAD exomes below 0.00001; gnomAD 0.00001; TOPMed 0.00002.
gnomAD v4.1: 8 of 1,613,754 alleles (0.0005%); highest among the groups gnomAD compares: African/African-American, 0.011%; no homozygotes.

Submissions (2):

GeneDx
Classification: Uncertain significance. Last evaluated: 2025-10-21. Review status: criteria provided, single submitter. Criteria: GeneDx Variant Classification Process June 2021. Collection method: clinical testing. Allele origin: germline.
Comment: Not observed at significant frequency in large population cohorts (gnomAD); In silico analysis supports that this missense variant has a deleterious effect on protein structure/function; Has not been previously published as pathogenic or benign to our knowledge; This variant is associated with the following publications: (PMID: 29405036, 23152584)

Labcorp Genetics (formerly Invitae), Labcorp
Classification: Likely pathogenic for Congenital myotonia, autosomal recessive form; Congenital myotonia, autosomal dominant form. Last evaluated: 2023-11-10. Review status: criteria provided, single submitter. Criteria: Invitae Variant Classification Sherloc (09022015). Collection method: clinical testing. Allele origin: germline.
Comment: This sequence change replaces valine, which is neutral and non-polar, with alanine, which is neutral and non-polar, at codon 536 of the CLCN1 protein (p.Val536Ala). This variant is not present in population databases (gnomAD no frequency). This variant has not been reported in the literature in individuals affected with CLCN1-related conditions. Advanced modeling of protein sequence and biophysical properties (such as structural, functional, and spatial information, amino acid conservation, physicochemical variation, residue mobility, and thermodynamic stability) performed at Invitae indicates that this missense variant is expected to disrupt CLCN1 protein function with a positive predictive value of 95%. This variant disrupts the p.Val536 amino acid residue in CLCN1. Other variant(s) that disrupt this residue have been determined to be pathogenic (PMID: 23152584, 29405036; Invitae). This suggests that this residue is clinically significant, and that variants that disrupt this residue are likely to be disease-causing. In summary, the currently available evidence indicates that the variant is pathogenic, but additional data are needed to prove that conclusively. Therefore, this variant has been classified as Likely Pathogenic.

Literature cited by the submitters: PubMed 23152584 (cited by Labcorp Genetics (formerly Invitae), Labcorp); PubMed 29405036 (cited by Labcorp Genetics (formerly Invitae), Labcorp).

NM_000083.3(CLCN1):c.1607T>C (p.Val536Ala)

Gene: CLCN1 (chloride voltage-gated channel 1; plus strand). Cytogenetic location: 7q34.
Variant type: single nucleotide variant.
Coding change: c.1607T>C on transcript NM_000083.3 (MANE Select); coding-DNA position 1607, T replaced by C.
Protein change: p.Val536Ala; replaces valine 536 with alanine.
Molecular consequence: missense variant. On other transcripts: non-coding transcript variant (1).
Genome position (GRCh38, 1-based): chr7:143,341,953, T>C. VCF-style: chr7-143341953-T-C. GRCh37 (hg19) VCF-style: chr7-143039046-T-C.
Other names: c.1607T>C (NM_000083.2); short protein forms V536A.
Identifiers: ClinVar variation 2926032 (VCV002926032.5), dbSNP rs1175929008, ClinGen allele CA369646388.
Genomic context (GRCh38, chr7:143,341,953, plus strand): 5'-GCCCTAACCTACAGGCGTATTCCTGTGTCATTCTAGGAGCAGCAGCGCTGACTGGTGCCG[T>C]TTCCCACACAGTCTCCACAGCTGTGATTTGCTTCGAATTAACGGGTCAGATTGCTCACAT-3'
Protein context (NP_000074.3, residues 526-546): VIGAAALTGA[Val536Ala]SHTVSTAVIC